The following is an entry in ClinVar:

NM_006493.4(CLN5):c.279A>T (p.Glu93Asp)

Gene: CLN5 (CLN5 lysosomal BMP synthase; plus strand). Cytogenetic location: 13q22.3.
Variant type: single nucleotide variant.
Coding change: c.279A>T on transcript NM_006493.4 (MANE Select); coding-DNA position 279, A replaced by T.
Protein change: p.Glu93Asp; replaces glutamic acid 93 with aspartic acid.
Molecular consequence: missense variant.
Genome position (GRCh38, 1-based): chr13:76,995,168, A>T. VCF-style: chr13-76995168-A-T. GRCh37 (hg19) VCF-style: chr13-77569303-A-T.
Other names: c.279A>T, p.Glu93Asp (NM_001366624.2); short protein forms E93D.
Identifiers: ClinVar variation 1423928 (VCV001423928.8), dbSNP rs2154034642, ClinGen allele CA388308165.

ClinVar aggregate classification (germline): Uncertain significance (1 of 4 stars; one submission).

Conditions:
Neuronal ceroid lipofuscinosis. Also called: Neuronal Ceroid Lipofuscinoses. Identifiers: Orphanet 216, Orphanet 79263, MedGen C0027877, MONDO:0016295. Disease mechanism: loss of function.

Submission:

Labcorp Genetics (formerly Invitae), Labcorp
Classification: Uncertain significance for Neuronal ceroid lipofuscinosis. Last evaluated: 2020-11-17. Review status: criteria provided, single submitter. Criteria: Invitae Variant Classification Sherloc (09022015). Collection method: clinical testing. Allele origin: germline.
Comment: This sequence change replaces glutamic acid with aspartic acid at codon 142 of the CLN5 protein (p.Glu142Asp). The glutamic acid residue is moderately conserved and there is a small physicochemical difference between glutamic acid and aspartic acid. This variant is not present in population databases (ExAC no frequency). This variant has not been reported in the literature in individuals with CLN5-related conditions. Algorithms developed to predict the effect of missense changes on protein structure and function (SIFT, PolyPhen-2, Align-GVGD) all suggest that this variant is likely to be tolerated, but these predictions have not been confirmed by published functional studies and their clinical significance is uncertain. In summary, the available evidence is currently insufficient to determine the role of this variant in disease. Therefore, it has been classified as a Variant of Uncertain Significance.